The following is an entry in ClinVar:

ClinVar aggregate classification (germline): Likely pathogenic. Review status: criteria provided, multiple submitters, no conflicts (2 of 4 stars). 2 submissions from 2 submitters: Likely pathogenic (2). Last evaluated 2026-06-11.

Conditions:
Cardiovascular phenotype. Identifiers: MedGen CN230736.
Dilated cardiomyopathy 1G (CMD1G). Identifiers: Orphanet 154, MedGen C1858763, MONDO:0011400, OMIM 604145.
Autosomal recessive limb-girdle muscular dystrophy type 2J (LGMDR10). Also called: Limb-girdle muscular dystrophy, type 2J; MUSCULAR DYSTROPHY, LIMB-GIRDLE, AUTOSOMAL RECESSIVE 10. Identifiers: Orphanet 140922, MedGen C1837342, MONDO:0012127, OMIM 608807.

Submissions (2):

Ambry Genetics
Classification: Likely pathogenic for Cardiovascular phenotype. Last evaluated: 2026-06-11. Review status: criteria provided, single submitter. Criteria: Ambry Variant Classification Scheme 2023. Collection method: clinical testing. Allele origin: germline.
Comment: The p.K1136* variant (also known as c.3406A>T), located in coding exon 20 of the TTN gene, results from an A to T substitution at nucleotide position 3406. This changes the amino acid from a lysine to a stop codon within coding exon 20. This exon is located in the near Z-disk region of the N2-B isoform of the titin protein and is constitutively expressed in TTN transcripts (percent spliced in or PSI 100%). This variant is considered to be rare based on population cohorts in the Genome Aggregation Database (gnomAD). This variant is expected to result in loss of function by premature protein truncation or nonsense-mediated mRNA decay. While truncating variants in TTN are present in 1-3% of the general population, truncating variants in the A-band are the most common cause of dilated cardiomyopathy (Herman DS et al. N. Engl. J. Med., 2012 Feb;366:619-28; Roberts AM et al. Sci Transl Med, 2015 Jan;7:270ra6). TTN truncating variants encoded in constitutive exons (PSI >90%) have been found to be significantly associated with DCM regardless of their position in titin (Schafer S et al. Nat. Genet., 2017 01;49:46-53; Akhtar MM et al. Circ Heart Fail, 2020 Oct;13:e006832; Massier M et al. Clin Genet, 2025 Jan). Based on the majority of available evidence to date, this variant is likely to be pathogenic.

Labcorp Genetics (formerly Invitae), Labcorp
Classification: Likely pathogenic for Dilated cardiomyopathy 1G; Autosomal recessive limb-girdle muscular dystrophy type 2J. Last evaluated: 2024-10-18. Review status: criteria provided, single submitter. Criteria: Invitae Variant Classification Sherloc (09022015). Collection method: clinical testing. Allele origin: germline.
Comment: This sequence change creates a premature translational stop signal (p.Lys1182*) in the TTN gene. While this is not anticipated to result in nonsense mediated decay, it is expected to create a truncated TTN protein. This variant is not present in population databases (gnomAD no frequency). This variant has not been reported in the literature in individuals affected with TTN-related conditions. ClinVar contains an entry for this variant (Variation ID: 1450677). This variant is located in the Z band of TTN (PMID: 25589632). Truncating variants in this region have been reported in individuals affected with autosomal recessive centronuclear myopathy (PMID: 33449170, internal data). Truncating variants in this region have also been identified in individuals affected with autosomal dominant dilated cardiomyopathy and/or cardio-related conditions (PMID: 27869827, 32964742, internal data). In summary, the currently available evidence indicates that the variant is pathogenic, but additional data are needed to prove that conclusively. Therefore, this variant has been classified as Likely Pathogenic.

Literature cited by the submitters: PubMed 25589632 (cited by Labcorp Genetics (formerly Invitae), Labcorp); PubMed 33449170 (cited by Labcorp Genetics (formerly Invitae), Labcorp); PubMed 27869827 (cited by Labcorp Genetics (formerly Invitae), Labcorp); PubMed 32964742 (cited by Labcorp Genetics (formerly Invitae), Labcorp).

NM_001267550.2(TTN):c.3544A>T (p.Lys1182Ter)

Gene: TTN (titin; minus strand). Cytogenetic location: 2q31.2.
Variant type: single nucleotide variant.
Coding change: c.3544A>T on transcript NM_001267550.2 (MANE Select); coding-DNA position 3544, A replaced by T.
Protein change: p.Lys1182Ter; replaces lysine 1182 with a stop codon.
Molecular consequence: nonsense.
Genome position (GRCh38, 1-based): chr2:178,780,185, T>A on the plus strand (A>T on the coding strand, the complement: TTN is on the minus strand). VCF-style: chr2-178780185-T-A. GRCh37 (hg19) VCF-style: chr2-179644912-T-A.
Other names: c.3544A>T, p.Lys1182Ter (NM_001256850.1, NM_133378.4, NM_133379.5); c.3406A>T, p.Lys1136Ter (NM_003319.4, NM_133432.3, NM_133437.4); short protein forms K1136*, K1182*.
Identifiers: ClinVar variation 1450677 (VCV001450677.7), dbSNP rs2092638111, ClinGen allele CA349482915.
Genomic context (GRCh38, chr2:178,780,185, plus strand): 5'-CTTTAGGTTCTTGAACAAATGCAGTCACTTGTGTCTGATAAAGCATTTCTTGCTGGGACT[T>A]CATCAGTAACTCATAATCAGCTAAGAGTTAAGAACATCAGTTAATTTTTAATGCTCTTAT-3'